The following is an entry in ClinVar:

ClinVar aggregate classification (germline): Conflicting classifications of pathogenicity. Review status: criteria provided, conflicting classifications (1 of 4 stars). 2 submissions from 2 submitters: Uncertain significance (1); Likely benign (1). Last evaluated 2024-11-01.

Submissions (2):

CeGaT Center for Human Genetics Tuebingen
Classification: Uncertain significance. Last evaluated: 2024-11-01. Review status: criteria provided, single submitter. Criteria: CeGaT Center For Human Genetics Tuebingen Variant Classification Criteria Version 2. Collection method: clinical testing. Allele origin: germline. Affected: yes. Observed: 1 variant allele.
Comment: PMP22: PM2

GeneDx
Classification: Likely benign. Last evaluated: 2021-06-22. Review status: criteria provided, single submitter. Criteria: GeneDx Variant Classification Process June 2021. Collection method: clinical testing. Allele origin: germline. Affected: yes.

NM_000304.4(PMP22):c.*4G>A

Gene: PMP22 (peripheral myelin protein 22; minus strand). Cytogenetic location: 17p12.
Variant type: single nucleotide variant.
Coding change: c.*4G>A on transcript NM_000304.4 (MANE Select); 4 bases downstream of the stop codon, G replaced by A.
Molecular consequence: 3 prime UTR variant. On other transcripts: non-coding transcript variant (2).
Genome position (GRCh38, 1-based): chr17:15,230,913, C>T on the plus strand (G>A on the coding strand, the complement: PMP22 is on the minus strand). VCF-style: chr17-15230913-C-T. GRCh37 (hg19) VCF-style: chr17-15134230-C-T.
Other names: c.*4G>A (NM_153321.3, NM_153322.3, NM_001281455.2 and 1 more transcripts).
Identifiers: ClinVar variation 1194039 (VCV001194039.16), dbSNP rs570955542, ClinGen allele CA8403289.